The following is an entry in ClinVar:

NC_000002.11:g.(?_32288901)_(32481844_?)dup

Genes: NLRC4 (NLR family CARD domain containing 4; minus strand), SLC30A6 (solute carrier family 30 member 6; plus strand), SPAST (spastin; plus strand). Cytogenetic location: 2p22.3.
Variant type: Duplication.
Identifiers: ClinVar variation 1434040 (VCV001434040.4).

ClinVar aggregate classification (germline): Uncertain significance (1 of 4 stars; one submission).

Conditions:
Familial cold autoinflammatory syndrome 4 (FCAS4). Identifiers: Orphanet 47045, Orphanet 576349, MedGen C4015276, MONDO:0014498, OMIM 616115.
Periodic fever-infantile enterocolitis-autoinflammatory syndrome. Also called: Autoinflammation with infantile enterocolitis. Identifiers: Orphanet 436166, MedGen C4015067, MONDO:0014472, OMIM 616050.

Submission:

Labcorp Genetics (formerly Invitae), Labcorp
Classification: Uncertain significance for Periodic fever-infantile enterocolitis-autoinflammatory syndrome; Familial cold autoinflammatory syndrome 4. Last evaluated: 2022-08-09. Review status: criteria provided, single submitter. Criteria: Invitae Variant Classification Sherloc (09022015). Collection method: clinical testing. Allele origin: germline.
Comment: A copy number gain of the genomic region encompassing the full coding sequence of the NLRC4 gene has been identified. The boundaries of this event are unknown as they extend beyond the assayed region for this gene and therefore may encompass additional genes. As the precise location of this event is unknown, it may be in tandem or it may be located elsewhere in the genome. This variant has not been reported in the literature in individuals affected with NLRC4-related conditions. In summary, the available evidence is currently insufficient to determine the role of this variant in disease. Therefore, it has been classified as a Variant of Uncertain Significance.